The following is an entry in ClinVar:

ClinVar aggregate classification (germline): Benign/Likely benign. Review status: criteria provided, multiple submitters, no conflicts (2 of 4 stars). 9 submissions from 9 submitters: Benign (8); Likely benign (1). Last evaluated 2026-02-04.

Conditions:
Multiple acyl-CoA dehydrogenase deficiency (MADD). Also called: ETHYLMALONIC-ADIPICACIDURIA; GA II; Glutaric Acidemia type 2; Glutaric aciduria, type 2; Glutaric acidemia type II; GA 2. Identifiers: Orphanet 26791, MedGen C0268596, MONDO:0009282, OMIM 231680.

Allele frequency attached by ClinVar (database versions not stated): ESP Exome Variant Server 0.11716; gnomAD exomes 0.12235 and 0.12425; TOPMed 0.13761; gnomAD 0.14215 and 0.14273; 1000 Genomes Project 0.15116; 1000 Genomes Project 30x 0.15381; ExAC 0.20320.
gnomAD v4.1: 193,874 of 1,555,368 alleles (12%); highest among the groups gnomAD compares: African/African-American, 20%; 13,022 homozygotes.

Submissions (9):

Labcorp Genetics (formerly Invitae), Labcorp
Classification: Benign for Multiple acyl-CoA dehydrogenase deficiency. Last evaluated: 2026-02-04. Review status: criteria provided, single submitter. Criteria: Invitae Variant Classification Sherloc (09022015). Collection method: clinical testing. Allele origin: germline.

Blueprint Genetics
Classification: Likely benign. Last evaluated: 2024-11-27. Review status: criteria provided, single submitter. Criteria: ACMG Guidelines, 2015. Collection method: clinical testing. Allele origin: germline.

Mayo Clinic Laboratories, Mayo Clinic
Classification: Benign. Last evaluated: 2022-04-26. Review status: criteria provided, single submitter. Criteria: ACMG Guidelines, 2015. Collection method: clinical testing. Allele origin: germline. Observed: 21 variant alleles.

Women's Health and Genetics/Laboratory Corporation of America, LabCorp
Classification: Benign. Last evaluated: 2021-09-10. Review status: criteria provided, single submitter. Criteria: LabCorp Variant Classification Summary - May 2015. Collection method: clinical testing. Allele origin: germline.

Genome-Nilou Lab
Classification: Benign for Multiple acyl-CoA dehydrogenase deficiency. Last evaluated: 2021-06-10. Review status: criteria provided, single submitter. Criteria: ACMG Guidelines, 2015. Collection method: clinical testing. Allele origin: germline. Affected: no.

Illumina Laboratory Services, Illumina
Classification: Benign for Multiple acyl-CoA dehydrogenase deficiency. Last evaluated: 2018-01-13. Review status: criteria provided, single submitter. Criteria: ICSL Variant Classification Criteria 13 December 2019. Collection method: clinical testing. Allele origin: germline.
Comment: This variant was observed in the ICSL laboratory as part of a predisposition screen in an ostensibly healthy population. It had not been previously curated by ICSL or reported in the Human Gene Mutation Database (HGMD: prior to June 1st, 2018), and was therefore a candidate for classification through an automated scoring system. Utilizing variant allele frequency, disease prevalence and penetrance estimates, and inheritance mode, an automated score was calculated to assess if this variant is too frequent to cause the disease. Based on the score and internal cut-off values, a variant classified as benign is not then subjected to further curation. The score for this variant resulted in a classification of benign for this disease.

GeneDx
Classification: Benign. Last evaluated: 2015-03-03. Review status: criteria provided, single submitter. Criteria: GeneDx Variant Classification Process June 2021. Collection method: clinical testing. Allele origin: germline. Affected: yes.

Eurofins Ntd Llc (ga)
Classification: Benign. Last evaluated: 2013-07-25. Review status: criteria provided, single submitter. Criteria: EGL Classification Definitions 2015. Collection method: clinical testing. Allele origin: germline. Observed: 21 variant alleles, 18 heterozygotes, 3 homozygotes.

Breakthrough Genomics
Classification: Benign. Review status: criteria provided, single submitter. Criteria: ACMG Guidelines, 2015. Collection method: not provided. Allele origin: germline. Inheritance: Autosomal recessive inheritance. Affected: yes.

NM_000126.4(ETFA):c.39+12C>G

Gene: ETFA (electron transfer flavoprotein subunit alpha; minus strand). Cytogenetic location: 15q24.3.
Variant type: single nucleotide variant.
Coding change: c.39+12C>G on transcript NM_000126.4 (MANE Select); 12 bases into the intron after coding-DNA position 39, C replaced by G.
Molecular consequence: intron variant.
Genome position (GRCh38, 1-based): chr15:76,311,338, G>C on the plus strand (C>G on the coding strand, the complement: ETFA is on the minus strand). VCF-style: chr15-76311338-G-C. GRCh37 (hg19) VCF-style: chr15-76603679-G-C.
Other names: p.?; c.39+12C>G (NM_001127716.2).
Identifiers: ClinVar variation 92442 (VCV000092442.26), dbSNP rs62027051, ClinGen allele CA145743.
Genomic context (GRCh38, chr15:76,311,338, plus strand): 5'-TTGCAAGACCCCATAGGGACGGCGGGTTGACGGGGGGCCGTCCCTGGGTTCGCCTTCCCA[G>C]TCCGGACTCACCGCCCGCCGGAGCTGCCCCGGAGCCGCCGCTCGGAACATGGTCTCCGCT-3'